The following is an entry in ClinVar:

NM_004260.4(RECQL4):c.481C>T (p.Gln161Ter)

Gene: RECQL4 (RecQ like helicase 4; minus strand). Cytogenetic location: 8q24.3.
Variant type: single nucleotide variant.
Coding change: c.481C>T on transcript NM_004260.4 (MANE Select); coding-DNA position 481, C replaced by T.
Protein change: p.Gln161Ter; replaces glutamine 161 with a stop codon.
Molecular consequence: nonsense.
Genome position (GRCh38, 1-based): chr8:144,516,638, G>A on the plus strand (C>T on the coding strand, the complement: RECQL4 is on the minus strand). VCF-style: chr8-144516638-G-A. GRCh37 (hg19) VCF-style: chr8-145742022-G-A.
Other names: c.481C>T, p.Gln161Ter (NM_001413017.1, NM_001413018.1, NM_001413019.1 and 4 more transcripts); c.-591C>T (NM_001413022.1, NM_001413023.1, NM_001413024.1 and 5 more transcripts); c.352C>T, p.Gln118Ter (NM_001413025.1); c.-653C>T (NM_001413027.1, NM_001413030.1, NM_001413031.1 and 2 more transcripts); c.-495C>T (NM_001413034.1); c.-860C>T (NM_001413043.1); short protein forms Q118*, Q161*.
Identifiers: ClinVar variation 2061593 (VCV002061593.4), dbSNP rs2538099260, ClinGen allele CA372691311.

ClinVar aggregate classification (germline): Pathogenic (1 of 4 stars; one submission).

Conditions:
Baller-Gerold syndrome (BGS). Also called: CRANIOSYNOSTOSIS WITH RADIAL DEFECTS. Identifiers: Orphanet 1225, MedGen C0265308, MONDO:0009039, OMIM 218600.

Allele frequency attached by ClinVar (database versions not stated): gnomAD exomes below 0.00001.
gnomAD v4.1: 2 of 1,608,630 alleles (0.00012%); highest among the groups gnomAD compares: Non-Finnish European, 0.00017%; no homozygotes.

Submission:

Labcorp Genetics (formerly Invitae), Labcorp
Classification: Pathogenic for Baller-Gerold syndrome. Last evaluated: 2022-03-31. Review status: criteria provided, single submitter. Criteria: Invitae Variant Classification Sherloc (09022015). Collection method: clinical testing. Allele origin: germline.
Comment: For these reasons, this variant has been classified as Pathogenic. Algorithms developed to predict the effect of sequence changes on RNA splicing suggest that this variant may disrupt the consensus splice site. This variant has not been reported in the literature in individuals affected with RECQL4-related conditions. This variant is not present in population databases (gnomAD no frequency). This sequence change creates a premature translational stop signal (p.Gln161*) in the RECQL4 gene. It is expected to result in an absent or disrupted protein product. Loss-of-function variants in RECQL4 are known to be pathogenic (PMID: 12734318, 12952869).

Literature cited by the submitters: PubMed 12734318; PubMed 12952869.